The following is an entry in ClinVar:

ClinVar aggregate classification (germline): Uncertain significance (1 of 4 stars; one submission).

Conditions:
DICER1-related tumor predisposition. Also called: DICER1 syndrome; DICER1-related pleuropulmonary blastoma cancer predisposition syndrome. Identifiers: Orphanet 284343, MedGen C3839822, MONDO:0100216.

Submission:

Labcorp Genetics (formerly Invitae), Labcorp
Classification: Uncertain significance for DICER1-related tumor predisposition. Last evaluated: 2018-06-04. Review status: criteria provided, single submitter. Criteria: Invitae Variant Classification Sherloc (09022015). Collection method: clinical testing. Allele origin: germline.
Comment: In summary, the available evidence is currently insufficient to determine the role of this variant in disease. Therefore, it has been classified as a Variant of Uncertain Significance. This sequence change replaces lysine with glutamine at codon 46 of the DICER1 protein (p.Lys46Gln). The lysine residue is highly conserved and there is a small physicochemical difference between lysine and glutamine. This variant is not present in population databases (ExAC no frequency). This variant has not been reported in the literature in individuals with DICER1-related disease. Algorithms developed to predict the effect of missense changes on protein structure and function are either unavailable or do not agree on the potential impact of this missense change (SIFT: "Tolerated"; PolyPhen-2: "Probably Damaging"; Align-GVGD: "Class C0").

NM_177438.3(DICER1):c.136A>C (p.Lys46Gln)

Gene: DICER1 (dicer 1, ribonuclease III; minus strand). Cytogenetic location: 14q32.13.
Variant type: single nucleotide variant.
Coding change: c.136A>C on transcript NM_177438.3 (MANE Select); coding-DNA position 136, A replaced by C.
Protein change: p.Lys46Gln; replaces lysine 46 with glutamine.
Molecular consequence: missense variant.
Genome position (GRCh38, 1-based): chr14:95,133,323, T>G on the plus strand (A>C on the coding strand, the complement: DICER1 is on the minus strand). VCF-style: chr14-95133323-T-G. GRCh37 (hg19) VCF-style: chr14-95599660-T-G.
Other names: c.136A>C, p.Lys46Gln (NM_001195573.1, NM_001271282.3, NM_001291628.2 and 1 more transcripts); short protein forms K46Q.
Identifiers: ClinVar variation 576682 (VCV000576682.10), dbSNP rs1566816326, ClinGen allele CA390890363.